The following is an entry in ClinVar:

ClinVar aggregate classification (germline): Likely benign. Review status: criteria provided, single submitter (1 of 4 stars). 2 submissions from 2 submitters: Likely benign (1). 1 of the submissions does not count toward it. Last evaluated 2020-09-11.

Conditions:
PIEZO1-related disorder. Also called: PIEZO1-related condition; PIEZO1-Related Disorders.

Allele frequency attached by ClinVar (database versions not stated): gnomAD 0.00019; ExAC 0.00022; TOPMed 0.00025.
gnomAD v4.1: 68 of 1,493,850 alleles (0.0046%); highest among the groups gnomAD compares: African/African-American, 0.085%; no homozygotes.

Submissions (2):

Blueprint Genetics
Classification: Likely benign. Last evaluated: 2020-09-11. Review status: criteria provided, single submitter. Criteria: ACMG Guidelines, 2015. Collection method: clinical testing. Allele origin: germline.

PreventionGenetics, part of Exact Sciences
Classification: Likely benign for PIEZO1-related condition. Last evaluated: 2021-04-15. Review status: no assertion criteria provided. Collection method: clinical testing. Allele origin: germline. Not counted in ClinVar's aggregate classification.
Comment: This variant is classified as likely benign based on ACMG/AMP sequence variant interpretation guidelines (Richards et al. 2015 PMID: 25741868, with internal and published modifications).

NM_001142864.4(PIEZO1):c.7071C>T (p.Pro2357=)

Gene: PIEZO1 (piezo type mechanosensitive ion channel component 1 (Er blood group); minus strand). Cytogenetic location: 16q24.3.
Variant type: single nucleotide variant.
Coding change: c.7071C>T on transcript NM_001142864.4 (MANE Select); coding-DNA position 7071, C replaced by T.
Protein change: p.Pro2357=; no amino-acid change (proline 2357 retained).
Molecular consequence: synonymous variant.
Genome position (GRCh38, 1-based): chr16:88,716,256, G>A on the plus strand (C>T on the coding strand, the complement: PIEZO1 is on the minus strand). VCF-style: chr16-88716256-G-A. GRCh37 (hg19) VCF-style: chr16-88782664-G-A.
Other names: c.5613C>T, p.Pro1871= (NM_014745.1).
Identifiers: ClinVar variation 3051370 (VCV003051370.3), dbSNP rs747694984, ClinGen allele CA8231415.